The following is an entry in ClinVar:

NM_000018.4(ACADVL):c.338T>C (p.Phe113Ser)

Gene: ACADVL (acyl-CoA dehydrogenase very long chain; plus strand). Cytogenetic location: 17p13.1.
Variant type: single nucleotide variant.
Coding change: c.338T>C on transcript NM_000018.4 (MANE Select); coding-DNA position 338, T replaced by C.
Protein change: p.Phe113Ser; replaces phenylalanine 113 with serine.
Molecular consequence: missense variant.
Genome position (GRCh38, 1-based): chr17:7,220,826, T>C. VCF-style: chr17-7220826-T-C. GRCh37 (hg19) VCF-style: chr17-7124145-T-C.
Other names: c.272T>C, p.Phe91Ser (NM_001033859.3); c.407T>C, p.Phe136Ser (NM_001270447.2); c.110T>C, p.Phe37Ser (NM_001270448.2); short protein forms F136S, F91S, F37S, F113S.
Identifiers: ClinVar variation 932746 (VCV000932746.2), dbSNP rs2071172343, ClinGen allele CA397722615.

ClinVar aggregate classification (germline): Uncertain significance (1 of 4 stars; one submission).

Conditions:
Very long chain acyl-CoA dehydrogenase deficiency (ACADVLD). Also called: Very Long-Chain Acyl-Coenzyme A Dehydrogenase Deficiency; VLCAD Deficiency. Identifiers: Orphanet 26793, MedGen C3887523, MONDO:0008723, OMIM 201475.

Submission:

Wong Mito Lab, Molecular and Human Genetics, Baylor College of Medicine
Classification: Uncertain significance for Very long chain acyl-CoA dehydrogenase deficiency. Last evaluated: 2019-11-01. Review status: criteria provided, single submitter. Criteria: ACMG Guidelines, 2015. Collection method: clinical testing. Allele origin: germline.
Comment: The NM_000018.3:c.338T>C (NP_000009.1:p.Phe113Ser) [GRCH38: NC_000017.11:g.7220826T>C] variant in ACADVL gene is interpretated to be Uncertain Significance based on ACMG guidelines (PMID: 25741868). This variant has been reported. This variant meets the following evidence codes reported in the ACMG guidelines: PM1